The following is an entry in ClinVar:

NM_022114.4(PRDM16):c.2126T>C (p.Met709Thr)

Gene: PRDM16 (PR/SET domain 16; plus strand). Cytogenetic location: 1p36.32.
Variant type: single nucleotide variant.
Coding change: c.2126T>C on transcript NM_022114.4 (MANE Select); coding-DNA position 2126, T replaced by C.
Protein change: p.Met709Thr; replaces methionine 709 with threonine.
Molecular consequence: missense variant.
Genome position (GRCh38, 1-based): chr1:3,412,323, T>C. VCF-style: chr1-3412323-T-C. GRCh37 (hg19) VCF-style: chr1-3328887-T-C.
Other names: c.2126T>C, p.Met709Thr (NM_199454.3); short protein forms M709T.
Identifiers: ClinVar variation 426184 (VCV000426184.18), dbSNP rs201807364, ClinGen allele CA544391.
Genomic context (GRCh38, chr1:3,412,323, plus strand): 5'-CCGGGGACTCCATCAAGGCCATCGCATCCATTGCCGAGAAGTACTTTGGCCCCGGCTTCA[T>C]GGGGATGCAGGAGAAGAAGCTGGGCTCGCTCCCCTACCACTCGGCGTTCCCCTTCCAGTT-3'
Protein context (NP_071397.3, residues 699-719): IAEKYFGPGF[Met709Thr]GMQEKKLGSL

ClinVar aggregate classification (germline): Conflicting classifications of pathogenicity. Review status: criteria provided, conflicting classifications (1 of 4 stars). 5 submissions from 5 submitters: Uncertain significance (3); Likely benign (2). Last evaluated 2026-08-01.

Conditions:
Left ventricular noncompaction 8 (LVNC8). Identifiers: Orphanet 154, Orphanet 54260, MedGen C3809288, MONDO:0014152, OMIM 615373.

Allele frequency attached by ClinVar (database versions not stated): gnomAD exomes 0.00002 and 0.00007; ExAC 0.00011; 1000 Genomes Project 30x 0.00016; 1000 Genomes Project 0.00020; gnomAD 0.00023 and 0.00024; TOPMed 0.00026; ESP Exome Variant Server 0.00040.
gnomAD v4.1: 71 of 1,613,824 alleles (0.0044%); highest among the groups gnomAD compares: African/African-American, 0.085%; no homozygotes.

Submissions (5):

CeGaT Center for Human Genetics Tuebingen
Classification: Likely benign. Last evaluated: 2026-08-01. Review status: criteria provided, single submitter. Criteria: CeGaT Center For Human Genetics Tuebingen Variant Classification Criteria Version 2. Collection method: clinical testing. Allele origin: germline. Affected: yes. Observed: 1 variant allele.
Comment: PRDM16: BP4

Labcorp Genetics (formerly Invitae), Labcorp
Classification: Uncertain significance for Left ventricular noncompaction 8. Last evaluated: 2026-01-12. Review status: criteria provided, single submitter. Criteria: Invitae Variant Classification Sherloc (09022015). Collection method: clinical testing. Allele origin: germline.
Comment: This sequence change replaces methionine, which is neutral and non-polar, with threonine, which is neutral and polar, at codon 709 of the PRDM16 protein (p.Met709Thr). This variant is present in population databases (rs201807364, gnomAD 0.08%), and has an allele count higher than expected for a pathogenic variant. This variant has not been reported in the literature in individuals affected with PRDM16-related conditions. ClinVar contains an entry for this variant (Variation ID: 426184). An algorithm developed to predict the effect of missense changes on protein structure and function (PolyPhen-2) suggests that this variant is likely to be tolerated. In summary, the available evidence is currently insufficient to determine the role of this variant in disease. Therefore, it has been classified as a Variant of Uncertain Significance.

Women's Health and Genetics/Laboratory Corporation of America, LabCorp
Classification: Likely benign. Last evaluated: 2025-11-12. Review status: criteria provided, single submitter. Criteria: LabCorp Variant Classification Summary - May 2015. Collection method: clinical testing. Allele origin: germline.
Comment: Variant summary: PRDM16 c.2126T>C (p.Met709Thr) results in a non-conservative amino acid change in the encoded protein sequence. Algorithms developed to predict the effect of missense changes on protein structure and function are either unavailable or do not agree on the potential impact of this missense change. The variant allele was found at a frequency of 7.2e-05 in 249056 control chromosomes. The observed variant frequency exceeds the estimated maximal expected allele frequency for disease-causing variants in PRDM16. To our knowledge, no occurrence of c.2126T>C in individuals affected with PRDM16-related conditions and no experimental evidence demonstrating its impact on protein function have been reported. ClinVar contains an entry for this variant (Variation ID: 426184). Based on the evidence outlined above, the variant was classified as likely benign.

GeneDx
Classification: Uncertain significance. Last evaluated: 2025-07-31. Review status: criteria provided, single submitter. Criteria: GeneDx Variant Classification Process June 2021. Collection method: clinical testing. Allele origin: germline. Affected: yes.
Comment: Has not been previously published as pathogenic or benign to our knowledge; In silico analysis suggests that this missense variant does not alter protein structure/function

Fulgent Genetics
Classification: Uncertain significance for Left ventricular noncompaction 8. Last evaluated: 2018-10-31. Review status: criteria provided, single submitter. Criteria: ACMG Guidelines, 2015. Collection method: clinical testing. Allele origin: unknown.